The following is an entry in ClinVar:

NM_000337.6(SGCD):c.511G>A (p.Gly171Ser)

Gene: SGCD (sarcoglycan delta; plus strand). Cytogenetic location: 5q33.3.
Variant type: single nucleotide variant.
Coding change: c.511G>A on transcript NM_000337.6 (MANE Select); coding-DNA position 511, G replaced by A.
Protein change: p.Gly171Ser; replaces glycine 171 with serine.
Molecular consequence: missense variant.
Genome position (GRCh38, 1-based): chr5:156,647,472, G>A. VCF-style: chr5-156647472-G-A. GRCh37 (hg19) VCF-style: chr5-156074482-G-A.
Other names: c.508G>A, p.Gly170Ser (NM_001128209.2); c.511G>A, p.Gly171Ser (NM_172244.3); short protein forms G170S, G171S.
Identifiers: ClinVar variation 1005026 (VCV001005026.11), dbSNP rs764237334, ClinGen allele CA3530621.

ClinVar aggregate classification (germline): Uncertain significance. Review status: criteria provided, multiple submitters, no conflicts (2 of 4 stars). 6 submissions from 5 submitters: Uncertain significance (6). Last evaluated 2024-04-19.

Conditions:
Inborn genetic diseases. Identifiers: MedGen C0950123, MeSH D030342.
Dilated cardiomyopathy 1L (CMD1L). Identifiers: Orphanet 154, MedGen C1847667, MONDO:0011702, OMIM 606685.
Autosomal recessive limb-girdle muscular dystrophy type 2F (LGMDR6). Also called: Muscular dystrophy limb-girdle with delta-sarcoglyan deficiency; MUSCULAR DYSTROPHY, LIMB-GIRDLE, AUTOSOMAL RECESSIVE 6. Identifiers: Orphanet 219, MedGen C1832525, MONDO:0011028, OMIM 601287. Disease mechanism: Affects gamma-sarcoglycan and also disrupts the integrity of the entire sarcoglycan complex..

Allele frequency attached by ClinVar (database versions not stated): gnomAD 0.00003 and 0.00004; TOPMed 0.00004; ExAC 0.00009.

Submissions (6):

Ambry Genetics
Classification: Uncertain significance for Inborn genetic diseases. Last evaluated: 2024-04-19. Review status: criteria provided, single submitter. Criteria: Ambry Variant Classification Scheme 2023. Collection method: clinical testing. Allele origin: germline.
Comment: The p.G171S variant (also known as c.511G>A), located in coding exon 6 of the SGCD gene, results from a G to A substitution at nucleotide position 511. The glycine at codon 171 is replaced by serine, an amino acid with similar properties. This amino acid position is conserved. In addition, this alteration is predicted to be deleterious by in silico analysis. Since supporting evidence is limited at this time, the clinical significance of this alteration remains unclear.

Genome-Nilou Lab
Classification: Uncertain significance for Autosomal recessive limb-girdle muscular dystrophy type 2F. Last evaluated: 2023-02-08. Review status: criteria provided, single submitter. Criteria: ACMG Guidelines, 2015. Collection method: clinical testing. Allele origin: germline.

Genome-Nilou Lab
Classification: Uncertain significance for Dilated cardiomyopathy 1L. Last evaluated: 2023-02-08. Review status: criteria provided, single submitter. Criteria: ACMG Guidelines, 2015. Collection method: clinical testing. Allele origin: germline.

Labcorp Genetics (formerly Invitae), Labcorp
Classification: Uncertain significance for Autosomal recessive limb-girdle muscular dystrophy type 2F. Last evaluated: 2022-03-09. Review status: criteria provided, single submitter. Criteria: Invitae Variant Classification Sherloc (09022015). Collection method: clinical testing. Allele origin: germline.
Comment: This sequence change replaces glycine, which is neutral and non-polar, with serine, which is neutral and polar, at codon 171 of the SGCD protein (p.Gly171Ser). The frequency data for this variant in the population databases is considered unreliable, as metrics indicate poor data quality at this position in the gnomAD database. This variant has not been reported in the literature in individuals affected with SGCD-related conditions. ClinVar contains an entry for this variant (Variation ID: 1005026). Algorithms developed to predict the effect of missense changes on protein structure and function are either unavailable or do not agree on the potential impact of this missense change (SIFT: "Deleterious"; PolyPhen-2: "Benign"; Align-GVGD: "Class C0"). In summary, the available evidence is currently insufficient to determine the role of this variant in disease. Therefore, it has been classified as a Variant of Uncertain Significance.

Fulgent Genetics
Classification: Uncertain significance for Autosomal recessive limb-girdle muscular dystrophy type 2F; Dilated cardiomyopathy 1L. Last evaluated: 2021-09-29. Review status: criteria provided, single submitter. Criteria: ACMG Guidelines, 2015. Collection method: clinical testing. Allele origin: unknown.

Revvity Omics, Revvity
Classification: Uncertain significance. Last evaluated: 2019-04-25. Review status: criteria provided, single submitter. Criteria: ACMG Guidelines, 2015. Collection method: clinical testing. Allele origin: germline.